The following is an entry in ClinVar:

NM_000402.4(G6PD):c.10C>G (p.Arg4Gly)

Genes: G6PD (glucose-6-phosphate dehydrogenase; minus strand), IKBKG (inhibitor of nuclear factor kappa B kinase regulatory subunit gamma; plus strand), LOC107181288 (origin of replication in promoter of G6PD; plus strand), LOC129929052 (ATAC-STARR-seq lymphoblastoid silent region 21114; plus strand). Cytogenetic location: Xq28.
Variant type: single nucleotide variant.
Coding change: c.10C>G on transcript NM_000402.4; coding-DNA position 10, C replaced by G.
Protein change: p.Arg4Gly; replaces arginine 4 with glycine.
Molecular consequence: missense variant. On other transcripts: intron variant (5).
Genome position (GRCh38, 1-based): chrX:154,546,861, G>C on the plus strand (C>G on the coding strand, the complement: G6PD is on the minus strand). VCF-style: chrX-154546861-G-C. GRCh37 (hg19) VCF-style: chrX-153775076-G-C.
Other names: c.-9+607C>G (NM_001042351.3); c.-15-5127G>C (NM_001377312.1, NM_001377313.1); c.189+4409G>C (NM_001099856.6); c.-16+4474G>C (NM_001321396.3); short protein forms R4G.
Identifiers: ClinVar variation 3026816 (VCV003026816.20), dbSNP rs2523315850, ClinGen allele CA415203072.

ClinVar aggregate classification (germline): Uncertain significance (1 of 4 stars; one submission).

Submission:

CeGaT Center for Human Genetics Tuebingen
Classification: Uncertain significance. Last evaluated: 2024-01-01. Review status: criteria provided, single submitter. Criteria: CeGaT Center For Human Genetics Tuebingen Variant Classification Criteria Version 2. Collection method: clinical testing. Allele origin: germline. Affected: yes. Observed: 1 variant allele.
Comment: G6PD: PM2, PP2